The following is an entry in ClinVar:

ClinVar aggregate classification (germline): Conflicting classifications of pathogenicity. Review status: criteria provided, conflicting classifications (1 of 4 stars). 2 submissions from 2 submitters: Uncertain significance (1); Likely benign (1). Last evaluated 2023-10-30.

Conditions:
Cardiovascular phenotype. Identifiers: MedGen CN230736.

Submissions (2):

Labcorp Genetics (formerly Invitae), Labcorp
Classification: Uncertain significance. Last evaluated: 2023-10-30. Review status: criteria provided, single submitter. Criteria: Invitae Variant Classification Sherloc (09022015). Collection method: clinical testing. Allele origin: germline.
Comment: This sequence change replaces glycine, which is neutral and non-polar, with serine, which is neutral and polar, at codon 736 of the ALPK3 protein (p.Gly736Ser). This variant is not present in population databases (gnomAD no frequency). This variant has not been reported in the literature in individuals affected with ALPK3-related conditions. ClinVar contains an entry for this variant (Variation ID: 1787692). Algorithms developed to predict the effect of missense changes on protein structure and function output the following: SIFT: "Not Available"; PolyPhen-2: "Benign"; Align-GVGD: "Not Available". The serine amino acid residue is found in multiple mammalian species, which suggests that this missense change does not adversely affect protein function. In summary, the available evidence is currently insufficient to determine the role of this variant in disease. Therefore, it has been classified as a Variant of Uncertain Significance.

Ambry Genetics
Classification: Likely benign for Cardiovascular phenotype. Last evaluated: 2022-09-17. Review status: criteria provided, single submitter. Criteria: Ambry Variant Classification Scheme 2023. Collection method: clinical testing. Allele origin: germline.

NM_020778.5(ALPK3):c.1600G>A (p.Gly534Ser)

Genes: ALPK3 (alpha kinase 3; plus strand), LOC111718493 (skeletal muscle cis-regulatory module overlapping ALPK3; plus strand). Cytogenetic location: 15q25.3.
Variant type: single nucleotide variant.
Coding change: c.1600G>A on transcript NM_020778.5 (MANE Select); coding-DNA position 1600, G replaced by A.
Protein change: p.Gly534Ser; replaces glycine 534 with serine.
Molecular consequence: missense variant.
Genome position (GRCh38, 1-based): chr15:84,840,879, G>A. VCF-style: chr15-84840879-G-A. GRCh37 (hg19) VCF-style: chr15-85384110-G-A.
Other names: short protein forms G534S.
Identifiers: ClinVar variation 1787692 (VCV001787692.5), dbSNP rs1963656730, ClinGen allele CA393376069.